The following is an entry in ClinVar:

NC_000009.11:g.(?_133553896)_(133557056_?)dup

Gene: PRDM12 (PR/SET domain 12; plus strand). Cytogenetic location: 9q34.12.
Variant type: Duplication.
Identifiers: ClinVar variation 1450427 (VCV001450427.4).

ClinVar aggregate classification (germline): Uncertain significance (1 of 4 stars; one submission).

Conditions:
Congenital insensitivity to pain-hypohidrosis syndrome. Also called: HSAN VIII; Neuropathy, hereditary sensory and autonomic, type VIII. Identifiers: Orphanet 478664, MedGen C4225308, MONDO:0014662, OMIM 616488.

Submission:

Labcorp Genetics (formerly Invitae), Labcorp
Classification: Uncertain significance for Congenital insensitivity to pain-hypohidrosis syndrome. Last evaluated: 2021-10-08. Review status: criteria provided, single submitter. Criteria: Invitae Variant Classification Sherloc (09022015). Collection method: clinical testing. Allele origin: germline.
Comment: Experimental studies and prediction algorithms are not available or were not evaluated, and the functional significance of this variant is currently unknown. This variant has not been reported in the literature in individuals affected with PRDM12-related conditions. This variant results in a copy number gain of the genomic region encompassing exon(s) 4-5 of the PRDM12 gene. This region includes the termination codon of the gene. This copy number gain extends beyond the assayed region for this gene and therefore may encompass additional genes. As the precise location of this event is unknown, it may be in tandem or it may be located elsewhere in the genome. In summary, the available evidence is currently insufficient to determine the role of this variant in disease. Therefore, it has been classified as a Variant of Uncertain Significance.